The following is an entry in ClinVar:

NM_024580.6(EFL1):c.2891C>G (p.Thr964Ser)

Gene: EFL1 (elongation factor like GTPase 1; minus strand). Cytogenetic location: 15q25.2.
Variant type: single nucleotide variant.
Coding change: c.2891C>G on transcript NM_024580.6 (MANE Select); coding-DNA position 2891, C replaced by G.
Protein change: p.Thr964Ser; replaces threonine 964 with serine.
Molecular consequence: missense variant. On other transcripts: non-coding transcript variant (1).
Genome position (GRCh38, 1-based): chr15:82,151,563, G>C on the plus strand (C>G on the coding strand, the complement: EFL1 is on the minus strand). VCF-style: chr15-82151563-G-C. GRCh37 (hg19) VCF-style: chr15-82443904-G-C.
Other names: c.2738C>G, p.Thr913Ser (NM_001040610.3); c.2102C>G, p.Thr701Ser (NM_001322844.2); c.2891C>G, p.Thr964Ser (NM_001322845.2); short protein forms T913S, T701S, T964S.
Identifiers: ClinVar variation 2078794 (VCV002078794.1), dbSNP rs758965334, ClinGen allele CA7697684.

ClinVar aggregate classification (germline): Uncertain significance (1 of 4 stars; one submission).

Allele frequency attached by ClinVar (database versions not stated): ExAC 0.00001; gnomAD exomes 0.00001.
gnomAD v4.1: 14 of 1,614,126 alleles (0.00087%); highest among the groups gnomAD compares: Admixed American, 0.0083%; no homozygotes.

Submission:

Labcorp Genetics (formerly Invitae), Labcorp
Classification: Uncertain significance. Last evaluated: 2022-05-16. Review status: criteria provided, single submitter. Criteria: Invitae Variant Classification Sherloc (09022015). Collection method: clinical testing. Allele origin: germline.
Comment: This sequence change replaces threonine, which is neutral and polar, with serine, which is neutral and polar, at codon 964 of the EFL1 protein (p.Thr964Ser). This variant is present in population databases (rs758965334, gnomAD 0.01%). This variant has not been reported in the literature in individuals affected with EFL1-related conditions. Algorithms developed to predict the effect of missense changes on protein structure and function are either unavailable or do not agree on the potential impact of this missense change (SIFT: "Tolerated"; PolyPhen-2: "Not Available"; Align-GVGD: "Class C0"). In summary, the available evidence is currently insufficient to determine the role of this variant in disease. Therefore, it has been classified as a Variant of Uncertain Significance.